The following is an entry in ClinVar:

ClinVar aggregate classification (germline): Conflicting classifications of pathogenicity. Review status: criteria provided, conflicting classifications (1 of 4 stars). 3 submissions from 3 submitters: Uncertain significance (1); Likely benign (2). Last evaluated 2023-09-01.

Conditions:
Inborn genetic diseases. Identifiers: MedGen C0950123, MeSH D030342.
Intellectual developmental disorder with autism and speech delay. Also called: AUTS5; Autism, susceptibility to, 5; Autism 5; AUTISM-RELATED SPEECH DELAY; PHRASE SPEECH DELAY, AUTISM-RELATED. Identifiers: MedGen C1853755, MONDO:0011627, OMIM 606053.

Allele frequency attached by ClinVar (database versions not stated): gnomAD 0.00005.
gnomAD v4.1: 165 of 1,612,188 alleles (0.01%); highest among the groups gnomAD compares: Non-Finnish European, 0.012%; no homozygotes.

Submissions (3):

CeGaT Center for Human Genetics Tuebingen
Classification: Likely benign. Last evaluated: 2023-09-01. Review status: criteria provided, single submitter. Criteria: CeGaT Center For Human Genetics Tuebingen Variant Classification Criteria Version 2. Collection method: clinical testing. Allele origin: germline. Affected: yes. Observed: 1 variant allele.
Comment: TBR1: PP2, BP5, BS2

Ambry Genetics
Classification: Likely benign for Inborn genetic diseases. Last evaluated: 2021-11-09. Review status: criteria provided, single submitter. Criteria: Ambry Variant Classification Scheme 2023. Collection method: clinical testing. Allele origin: germline.

Department of Pathology and Laboratory Medicine, Sinai Health System
Classification: Uncertain significance for Intellectual developmental disorder with autism and speech delay. Last evaluated: 2020-07-09. Review status: criteria provided, single submitter. Criteria: ACMG Guidelines, 2015. Collection method: research. Allele origin: germline.

NM_006593.4(TBR1):c.1932C>A (p.Asp644Glu)

Gene: TBR1 (T-box brain transcription factor 1; plus strand). Cytogenetic location: 2q24.2.
Variant type: single nucleotide variant.
Coding change: c.1932C>A on transcript NM_006593.4 (MANE Select); coding-DNA position 1932, C replaced by A.
Protein change: p.Asp644Glu; replaces aspartic acid 644 with glutamic acid.
Molecular consequence: missense variant.
Genome position (GRCh38, 1-based): chr2:161,424,110, C>A. VCF-style: chr2-161424110-C-A. GRCh37 (hg19) VCF-style: chr2-162280621-C-A.
Other names: short protein forms D644E.
Identifiers: ClinVar variation 1782905 (VCV001782905.28), dbSNP rs201381014, ClinGen allele CA1931030.